The following is an entry in ClinVar:

NM_001042492.3(NF1):c.61-7486G>T

Gene: NF1 (neurofibromin 1; plus strand). Cytogenetic location: 17q11.2.
Variant type: single nucleotide variant.
Coding change: c.61-7486G>T on transcript NM_001042492.3 (MANE Select); 7486 bases into the intron before coding-DNA position 61, G replaced by T.
Molecular consequence: intron variant.
Genome position (GRCh38, 1-based): chr17:31,148,497, G>T. VCF-style: chr17-31148497-G-T. GRCh37 (hg19) VCF-style: chr17-29475515-G-T.
Other names: c.61-7486G>T (NM_000267.4, NM_001128147.3).
Identifiers: ClinVar variation 636832 (VCV000636832.13), dbSNP rs1597617010, ClinGen allele CA658761111.

ClinVar aggregate classification (germline): Pathogenic/Likely pathogenic. Review status: criteria provided, multiple submitters, no conflicts (2 of 4 stars). 5 submissions from 5 submitters: Pathogenic (2); Likely pathogenic (3). Last evaluated 2025-08-01.

Conditions:
NF1-related disorder. Also called: NF1-related condition. Identifiers: MedGen CN379171.
Neurofibromatosis, type 1 (NF1). Also called: Neurofibromatosis, type I; VON RECKLINGHAUSEN DISEASE; Peripheral type neurofibromatosis; NEUROFIBROMATOSIS, TYPE I, SOMATIC. Identifiers: Orphanet 636, MedGen C0027831, MONDO:0018975, OMIM 162200. Disease mechanism: loss of function.
Hereditary cancer-predisposing syndrome. Also called: Tumor predisposition; Neoplastic Syndromes, Hereditary; Hereditary Cancer Syndrome; Hereditary neoplastic syndrome. Identifiers: Orphanet 140162, MedGen C0027672, MeSH D009386, MONDO:0015356.
Cardiovascular phenotype. Identifiers: MedGen CN230736.

Submissions (5):

Quest Diagnostics Nichols Institute San Juan Capistrano
Classification: Likely pathogenic. Last evaluated: 2025-08-01. Review status: criteria provided, single submitter. Criteria: Quest Diagnostics criteria. Collection method: clinical testing. Allele origin: unknown.
Comment: The NF1 c.61-7486G>T variant has been reported in the published literature in individuals affected with neurofibromatosis type 1 (PMID: 23913538 (2013)). A splicing study suggests that the variant interferes with normal NF1 mRNA splicing (PMID: 23913538 (2013)). This variant has not been reported in large, multi-ethnic general populations (Genome Aggregation Database). Analysis of this variant using software algorithms for the prediction of the effect of nucleotide changes on NF1 mRNA splicing yielded predictions that this variant may result in the gain of a cryptic splice site without affecting the natural splice sites. Based on the available information, this variant is classified as likely pathogenic.

Ambry Genetics
Classification: Pathogenic for Cardiovascular phenotype; Hereditary cancer-predisposing syndrome. Last evaluated: 2025-07-18. Review status: criteria provided, single submitter. Criteria: Ambry Variant Classification Scheme 2023. Collection method: clinical testing. Allele origin: germline.
Comment: The c.61-7486G>T intronic pathogenic variant results from a G to T substitution 7486 nucleotides upstream from coding exon 2 in the NF1 gene. This variant was reported in individuals with features consistent or individuals who met clinical criteria for Neurofibromatosis type 1 (Sabbagh A et al. Hum Mutat, 2013 Nov;34:1510-8; Ambry internal data). This variant is considered to be rare based on population cohorts in the Genome Aggregation Database (gnomAD). This nucleotide position is highly conserved in available vertebrate species. In silico splice site analysis predicts that this alteration will result in the creation or strengthening of a novel splice donor site. In a functional RNA study, this variant was associated with insertion of a cryptic exon in intron 1 (Sabbagh A et al. Hum Mutat, 2013 Nov;34:1510-8; Ambry internal data). Based on the supporting evidence, this variant is interpreted as a disease-causing mutation.

Labcorp Genetics (formerly Invitae), Labcorp
Classification: Pathogenic for Neurofibromatosis, type 1. Last evaluated: 2020-03-03. Review status: criteria provided, single submitter. Criteria: Invitae Variant Classification Sherloc (09022015). Collection method: clinical testing. Allele origin: germline.
Comment: For these reasons, this variant has been classified as Pathogenic. Experimental studies have shown that this variant disrupts mRNA splicing (PMID: 23913538). This variant has been observed in individual(s) with clinical features of neurofibromatosis type 1 (PMID: 23913538, Invitae, external communication). ClinVar contains an entry for this variant (Variation ID: 636832). This sequence change falls in intron 1 of the NF1 gene. It does not directly change the encoded amino acid sequence of the NF1 protein.

Blueprint Genetics
Classification: Likely pathogenic for NF1-related disorders. Last evaluated: 2018-10-26. Review status: criteria provided, single submitter. Criteria: ACMG Guidelines, 2015. Collection method: clinical testing. Allele origin: germline. Affected: yes. Observed: 1 variant allele.

Department of Pathology and Laboratory Medicine, Sinai Health System
Classification: Likely pathogenic for neurofibromatosis type 1. Review status: criteria provided, single submitter. Criteria: ACMG Guidelines, 2015. Collection method: clinical testing. Allele origin: germline.

Literature cited by the submitters: PubMed 23913538 (cited by Ambry Genetics and Labcorp Genetics (formerly Invitae), Labcorp).